The following is an entry in ClinVar:

NM_025137.4(SPG11):c.1124G>T (p.Gly375Val)

Gene: SPG11 (SPG11 vesicle trafficking associated, spatacsin; minus strand). Cytogenetic location: 15q21.1.
Variant type: single nucleotide variant.
Coding change: c.1124G>T on transcript NM_025137.4 (MANE Select); coding-DNA position 1124, G replaced by T.
Protein change: p.Gly375Val; replaces glycine 375 with valine.
Molecular consequence: missense variant.
Genome position (GRCh38, 1-based): chr15:44,651,823, C>A on the plus strand (G>T on the coding strand, the complement: SPG11 is on the minus strand). VCF-style: chr15-44651823-C-A. GRCh37 (hg19) VCF-style: chr15-44944021-C-A.
Other names: c.1124G>T (NM_025137.3); c.1124G>T, p.Gly375Val (NM_001160227.2, NM_001411132.1); short protein forms G375V.
Identifiers: ClinVar variation 2416352 (VCV002416352.5), dbSNP rs2141107015, ClinGen allele CA392236540.

ClinVar aggregate classification (germline): Uncertain significance. Review status: criteria provided, multiple submitters, no conflicts (2 of 4 stars). 2 submissions from 2 submitters: Uncertain significance (2). Last evaluated 2025-05-05.

Conditions:
Inborn genetic diseases. Identifiers: MedGen C0950123, MeSH D030342.
Hereditary spastic paraplegia 11. Also called: Spastic paraplegia, mental retardation and thin corpus callosum; SPASTIC PARAPLEGIA, AUTOSOMAL RECESSIVE, COMPLICATED, WITH THIN CORPUS CALLOSUM; SPASTIC PARAPLEGIA, AUTOSOMAL RECESSIVE, WITH MENTAL IMPAIRMENT AND THIN CORPUS CALLOSUM; Spastic Paraplegia 11; Nakamura Osame syndrome; Autosomal recessive hereditary spastic paraplegia, mental impairment, and thin corpus callosum. Identifiers: Orphanet 2822, MedGen C1858479, MONDO:0011445, OMIM 604360.

Submissions (2):

Labcorp Genetics (formerly Invitae), Labcorp
Classification: Uncertain significance for Hereditary spastic paraplegia 11. Last evaluated: 2025-05-05. Review status: criteria provided, single submitter. Criteria: Invitae Variant Classification Sherloc (09022015). Collection method: clinical testing. Allele origin: germline.
Comment: This sequence change replaces glycine, which is neutral and non-polar, with valine, which is neutral and non-polar, at codon 375 of the SPG11 protein (p.Gly375Val). This variant is not present in population databases (gnomAD no frequency). This variant has not been reported in the literature in individuals affected with SPG11-related conditions. ClinVar contains an entry for this variant (Variation ID: 2416352). An algorithm developed to predict the effect of missense changes on protein structure and function outputs the following: PolyPhen-2: "Probably Damaging". The valine amino acid residue is found in multiple mammalian species, which suggests that this missense change does not adversely affect protein function. In summary, the available evidence is currently insufficient to determine the role of this variant in disease. Therefore, it has been classified as a Variant of Uncertain Significance.

Ambry Genetics
Classification: Uncertain significance for Inborn genetic diseases. Last evaluated: 2024-07-10. Review status: criteria provided, single submitter. Criteria: Ambry Variant Classification Scheme 2023. Collection method: clinical testing. Allele origin: germline.